The following is an entry in ClinVar:

ClinVar aggregate classification (germline): Uncertain significance (1 of 4 stars; one submission).

Conditions:
Familial hemiplegic migraine. Identifiers: MedGen C0338484, MONDO:0000700.

Submission:

Labcorp Genetics (formerly Invitae), Labcorp
Classification: Uncertain significance for Familial hemiplegic migraine. Last evaluated: 2025-04-28. Review status: criteria provided, single submitter. Criteria: Invitae Variant Classification Sherloc (09022015). Collection method: clinical testing. Allele origin: germline.
Comment: This sequence change replaces tryptophan, which is neutral and slightly polar, with serine, which is neutral and polar, at codon 903 of the ATP1A2 protein (p.Trp903Ser). This variant is not present in population databases (gnomAD no frequency). This variant has not been reported in the literature in individuals affected with ATP1A2-related conditions. An algorithm developed to predict the effect of missense changes on protein structure and function (PolyPhen-2) suggests that this variant is likely to be disruptive. In summary, the available evidence is currently insufficient to determine the role of this variant in disease. Therefore, it has been classified as a Variant of Uncertain Significance.

NM_000702.4(ATP1A2):c.2708G>C (p.Trp903Ser)

Gene: ATP1A2 (ATPase Na+/K+ transporting subunit alpha 2; plus strand). Cytogenetic location: 1q23.2.
Variant type: single nucleotide variant.
Coding change: c.2708G>C on transcript NM_000702.4 (MANE Select); coding-DNA position 2708, G replaced by C.
Protein change: p.Trp903Ser; replaces tryptophan 903 with serine.
Molecular consequence: missense variant.
Genome position (GRCh38, 1-based): chr1:160,136,714, G>C. VCF-style: chr1-160136714-G-C. GRCh37 (hg19) VCF-style: chr1-160106504-G-C.
Other names: short protein forms W903S.
Identifiers: ClinVar variation 4717385 (VCV004717385.1).